The following is an entry in ClinVar:

ClinVar aggregate classification (germline): Uncertain significance (1 of 4 stars; one submission).

Conditions:
Birt-Hogg-Dube syndrome. Also called: Birt Hogg Dubé syndrome. Identifiers: Orphanet 122, MedGen C0346010, MONDO:0800444.

Allele frequency attached by ClinVar (database versions not stated): gnomAD exomes below 0.00001.
gnomAD v4.1: 1 of 1,613,188 alleles (0.000062%); highest among the groups gnomAD compares: Non-Finnish European, 0.000085%; no homozygotes.

Submission:

Labcorp Genetics (formerly Invitae), Labcorp
Classification: Uncertain significance for Birt-Hogg-Dube syndrome. Last evaluated: 2016-06-02. Review status: criteria provided, single submitter. Criteria: Invitae Variant Classification Sherloc (09022015). Collection method: clinical testing. Allele origin: germline.
Comment: In summary, this variant is a novel missense change with uncertain impact on protein function. It has been classified as a Variant of Uncertain Significance. Algorithms developed to predict the effect of missense changes on protein structure and function do not agree on the potential impact of this missense change (SIFT: "Deleterious"; PolyPhen-2: "Probably Damaging"; Align-GVGD: "Class C0"). This variant is not present in population databases (ExAC no frequency) and has not been reported in the literature in individuals with a FLCN-related disease. This sequence change replaces histidine with arginine at codon 9 of the FLCN protein (p.His9Arg). The histidine residue is highly conserved and there is a small physicochemical difference between histidine and arginine.

NM_144997.7(FLCN):c.26A>G (p.His9Arg)

Gene: FLCN (folliculin; minus strand). Cytogenetic location: 17p11.2.
Variant type: single nucleotide variant.
Coding change: c.26A>G on transcript NM_144997.7 (MANE Select); coding-DNA position 26, A replaced by G.
Protein change: p.His9Arg; replaces histidine 9 with arginine.
Molecular consequence: missense variant.
Genome position (GRCh38, 1-based): chr17:17,228,112, T>C on the plus strand (A>G on the coding strand, the complement: FLCN is on the minus strand). VCF-style: chr17-17228112-T-C. GRCh37 (hg19) VCF-style: chr17-17131426-T-C.
Other names: c.26A>G (LRG_325t1); c.26A>G, p.His9Arg (NM_001353229.2, NM_001353230.2, NM_001353231.2 and 1 more transcripts); short protein forms H9R.
Identifiers: ClinVar variation 409402 (VCV000409402.5), dbSNP rs1060502373, ClinGen allele CA16615133.